The following is an entry in ClinVar:

ClinVar aggregate classification (germline): Uncertain significance (1 of 4 stars; one submission).

Conditions:
Retinitis pigmentosa 25 (RP25). Identifiers: Orphanet 791, MedGen C1864446, MONDO:0011272, OMIM 602772.

Submission:

Myriad Genetics, Inc.
Classification: Uncertain significance for Retinitis pigmentosa 25. Last evaluated: 2026-02-25. Review status: criteria provided, single submitter. Criteria: Myriad Autosomal Dominant, Autosomal Recessive and X-Linked Classification Criteria (2023). Collection method: clinical testing. Allele origin: unknown.
Comment: NM_001142800.1(EYS):c.4245G>T(Q1415H) is a missense variant classified as a variant of uncertain significance in the context of retinitis pigmentosa, EYS-related. Q1415H has been observed in a case with relevant disease (PMID: 28512305). Relevant functional assessments of this variant are not available in the literature. Q1415H has not been observed in referenced population frequency databases. In summary, there is insufficient evidence to classify NM_001142800.1(EYS):c.4245G>T(Q1415H) as pathogenic or benign. Please note: this variant was assessed in the context of healthy population screening.

Literature cited by the submitters: PubMed 28512305.

NM_001142800.2(EYS):c.4245G>T (p.Gln1415His)

Gene: EYS (EGF-like photoreceptor maintenance factor; minus strand). Cytogenetic location: 6q12.
Variant type: single nucleotide variant.
Coding change: c.4245G>T on transcript NM_001142800.2 (MANE Select); coding-DNA position 4245, G replaced by T.
Protein change: p.Gln1415His; replaces glutamine 1415 with histidine.
Molecular consequence: missense variant.
Genome position (GRCh38, 1-based): chr6:64,591,622, C>A on the plus strand (G>T on the coding strand, the complement: EYS is on the minus strand). VCF-style: chr6-64591622-C-A. GRCh37 (hg19) VCF-style: chr6-65301515-C-A.
Other names: c.4245G>T, p.Gln1415His (NM_001292009.2); short protein forms Q1415H.
Identifiers: ClinVar variation 5003485 (VCV005003485.1).